The following is an entry in ClinVar:

ClinVar aggregate classification (germline): Uncertain significance (1 of 4 stars; one submission).

Conditions:
Cardiovascular phenotype. Identifiers: MedGen CN230736.

gnomAD v4.1: 1 of 1,550,526 alleles (0.000064%); highest among the groups gnomAD compares: Non-Finnish European, 0.000087%; no homozygotes.

Submission:

Ambry Genetics
Classification: Uncertain significance for Cardiovascular phenotype. Last evaluated: 2025-04-07. Review status: criteria provided, single submitter. Criteria: Ambry Variant Classification Scheme 2023. Collection method: clinical testing. Allele origin: germline.
Comment: The p.S14L variant (also known as c.41C>T), located in coding exon 1 of the LMF1 gene, results from a C to T substitution at nucleotide position 41. The serine at codon 14 is replaced by leucine, an amino acid with dissimilar properties. This amino acid position is conserved. In addition, this alteration is predicted to be tolerated by in silico analysis. Since supporting evidence is limited at this time, the clinical significance of this alteration remains unclear.

NM_022773.4(LMF1):c.41C>T (p.Ser14Leu)

Genes: LMF1 (lipase maturation factor 1; minus strand), LOC130058141 (ATAC-STARR-seq lymphoblastoid silent region 6962; plus strand). Cytogenetic location: 16p13.3.
Variant type: single nucleotide variant.
Coding change: c.41C>T on transcript NM_022773.4 (MANE Select); coding-DNA position 41, C replaced by T.
Protein change: p.Ser14Leu; replaces serine 14 with leucine.
Molecular consequence: missense variant. On other transcripts: 5 prime UTR variant (1), non-coding transcript variant (1), intron variant (3).
Genome position (GRCh38, 1-based): chr16:970,940, G>A on the plus strand (C>T on the coding strand, the complement: LMF1 is on the minus strand). VCF-style: chr16-970940-G-A. GRCh37 (hg19) VCF-style: chr16-1020940-G-A.
Other names: c.41C>T, p.Ser14Leu (NM_001352020.1); c.-665C>T (NM_001352021.2); c.-135+10205C>T (NM_001352019.2); c.-611+10205C>T (NM_001352017.2); c.-362+10205C>T (NM_001352018.2); short protein forms S14L.
Identifiers: ClinVar variation 2566282 (VCV002566282.3), dbSNP rs759977380, ClinGen allele CA394111782.
Genomic context (GRCh38, chr16:970,940, plus strand): 5'-CCCGGCGCGGGCGGCGACTCAGGCTCCGGATCCGAGTACCCAGTCTTCCGCCTCCTCAGC[G>A]ACTCCGCGGGCGCCGCCATTGTTGGGCTGTCAGGGCGCATGTGCGGGGAGGGCGCACTCC-3'
Protein context (NP_073610.2, residues 4-24): DSPTMAAPAE[Ser14Leu]LRRRKTGYSD